The following is an entry in ClinVar:

ClinVar aggregate classification (germline): Uncertain significance. Review status: criteria provided, multiple submitters, no conflicts (2 of 4 stars). 3 submissions from 3 submitters: Uncertain significance (3). Last evaluated 2026-03-18.

Conditions:
Hypogonadotropic hypogonadism 5 with or without anosmia (KAL5). Also called: CHD7-Related GnRH Deficiency (Kallmann Syndrome 5); HYPOGONADOTROPIC HYPOGONADISM 5 WITH ANOSMIA; HYPOGONADOTROPHIC HYPOGONADISM 5 WITHOUT ANOSMIA. Identifiers: Orphanet 478, MedGen C3552553, MONDO:0012880, OMIM 612370. Disease mechanism: loss of function.

Submissions (3):

GeneDx
Classification: Uncertain significance. Last evaluated: 2026-03-18. Review status: criteria provided, single submitter. Criteria: GeneDx Variant Classification Process June 2021. Collection method: clinical testing. Allele origin: germline.
Comment: De novo variant with confirmed parentage in patients referred for genetic testing at GeneDx; however, the reported clinical features are only partially consistent with the features typically observed in individuals with pathogenic variants in this gene; Not observed at significant frequency in large population cohorts (gnomAD); In silico analysis supports that this missense variant has a deleterious effect on protein structure/function; This variant is associated with the following publications: (PMID: 35904121)

Victorian Clinical Genetics Services, Murdoch Childrens Research Institute
Classification: Uncertain significance for Hypogonadotropic hypogonadism 5 with or without anosmia. Last evaluated: 2026-03-04. Review status: criteria provided, single submitter. Criteria: ACMG Guidelines, 2015. Collection method: clinical testing. Allele origin: germline. Affected: yes.
Comment: This variant is classified as VUS-3A. Evidence in support of pathogenic classification: Variant is absent from gnomAD (v2, v3 and v4); Missense variant predicted to be damaging by in silico tool(s) or highly conserved with a major amino acid change. Additional information: Variant is predicted to result in a missense amino acid change from arginine to tryptophan; This variant is heterozygous; This gene is associated with autosomal dominant disease; Alternative amino acid change(s) at the same position are present in gnomAD (highest allele count: v4: 1 heterozygote(s), 0 homozygote(s)) ; Previous reports of pathogenicity for this variant are conflicting. It has been reported once as variant of uncertain significance in a heterozygous individual with variable features including heterotaxy (DECIPHER), as well as a de novo individual with features including hearing loss (mondini dysplasia, EVA, accessory auricle) and solitary kidney (LOVD); No published segregation evidence has been identified for this variant; No published functional evidence has been identified for this variant; Another missense variant comparable to the one identified in this case has conflicting previous evidence for pathogenicity. It has been reported in one de novo individual in a cohort of CHARGE and Kabuki syndrome patients (PMID: 28475860). In addition, it has been classified as a variant of uncertain significance by one clinical laboratory (ClinVar); Variant is located in the annotated SNF2-related domain (DECIPHER); Loss of function is a known mechanism of disease in this gene and is associated with CHARGE syndrome (MIM#214800) and hypogonadotropic hypogonadism 5 with or without anosmia (MIM#612370); Variants in this gene are known to have variable expressivity (PMID: 20301296).

3billion
Classification: Uncertain significance for Hypogonadotropic hypogonadism 5 with or without anosmia. Last evaluated: 2023-06-23. Review status: criteria provided, single submitter. Criteria: ACMG Guidelines, 2015. Collection method: clinical testing. Allele origin: germline. Affected: yes.
Comment: The variant is not observed in the gnomAD v2.1.1 dataset. Predicted Consequence/Location: Missense variant In silico tool predictions suggest damaging effect of the variant on gene or gene product (REVEL: 0.88; 3Cnet: 0.48). Therefore, this variant is classified as VUS according to the recommendation of ACMG/AMP guideline.

Literature cited by the submitters: PubMed 20301296 (cited by Victorian Clinical Genetics Services, Murdoch Childrens Research Institute); PubMed 28475860 (cited by Victorian Clinical Genetics Services, Murdoch Childrens Research Institute).

NM_017780.4(CHD7):c.3745C>T (p.Arg1249Trp)

Gene: CHD7 (chromodomain helicase DNA binding protein 7; plus strand). Cytogenetic location: 8q12.2.
Variant type: single nucleotide variant.
Coding change: c.3745C>T on transcript NM_017780.4 (MANE Select); coding-DNA position 3745, C replaced by T.
Protein change: p.Arg1249Trp; replaces arginine 1249 with tryptophan.
Molecular consequence: missense variant. On other transcripts: intron variant (1).
Genome position (GRCh38, 1-based): chr8:60,830,544, C>T. VCF-style: chr8-60830544-C-T. GRCh37 (hg19) VCF-style: chr8-61743103-C-T.
Other names: c.1717-31685C>T (NM_001316690.1); short protein forms R1249W.
Identifiers: ClinVar variation 3775939 (VCV003775939.6).